The following is an entry in ClinVar:

NM_006767.4(LZTR1):c.314G>T (p.Trp105Leu)

Gene: LZTR1 (leucine zipper like post translational regulator 1; plus strand). Cytogenetic location: 22q11.21.
Variant type: single nucleotide variant.
Coding change: c.314G>T on transcript NM_006767.4 (MANE Select); coding-DNA position 314, G replaced by T.
Protein change: p.Trp105Leu; replaces tryptophan 105 with leucine.
Molecular consequence: missense variant.
Genome position (GRCh38, 1-based): chr22:20,985,891, G>T. VCF-style: chr22-20985891-G-T. GRCh37 (hg19) VCF-style: chr22-21340180-G-T.
Other names: c.314G>T (NM_006767.3); short protein forms W105L.
Identifiers: ClinVar variation 2013922 (VCV002013922.5), dbSNP rs1257932527, ClinGen allele CA410778898.

ClinVar aggregate classification (germline): Uncertain significance. Review status: criteria provided, multiple submitters, no conflicts (2 of 4 stars). 2 submissions from 2 submitters: Uncertain significance (2). Last evaluated 2025-09-03.

Conditions:
Hereditary cancer-predisposing syndrome. Also called: Hereditary Cancer Syndrome; Neoplastic Syndromes, Hereditary; Hereditary neoplastic syndrome; Tumor predisposition. Identifiers: Orphanet 140162, MedGen C0027672, MeSH D009386, MONDO:0015356.
Cardiovascular phenotype. Identifiers: MedGen CN230736.

Submissions (2):

Ambry Genetics
Classification: Uncertain significance for Cardiovascular phenotype; Hereditary cancer-predisposing syndrome. Last evaluated: 2025-09-03. Review status: criteria provided, single submitter. Criteria: Ambry Variant Classification Scheme 2023. Collection method: clinical testing. Allele origin: germline.
Comment: The p.W105L variant (also known as c.314G>T), located in coding exon 3 of the LZTR1 gene, results from a G to T substitution at nucleotide position 314. The tryptophan at codon 105 is replaced by leucine, an amino acid with similar properties. This amino acid position is highly conserved in available vertebrate species. In addition, this alteration is predicted to be deleterious by in silico analysis. Based on the available evidence, the clinical significance of this variant remains unclear.

Labcorp Genetics (formerly Invitae), Labcorp
Classification: Uncertain significance. Last evaluated: 2024-12-19. Review status: criteria provided, single submitter. Criteria: Invitae Variant Classification Sherloc (09022015). Collection method: clinical testing. Allele origin: germline.
Comment: This sequence change replaces tryptophan, which is neutral and slightly polar, with leucine, which is neutral and non-polar, at codon 105 of the LZTR1 protein (p.Trp105Leu). This variant is not present in population databases (gnomAD no frequency). This variant has not been reported in the literature in individuals affected with LZTR1-related conditions. ClinVar contains an entry for this variant (Variation ID: 2013922). Invitae Evidence Modeling of protein sequence and biophysical properties (such as structural, functional, and spatial information, amino acid conservation, physicochemical variation, residue mobility, and thermodynamic stability) indicates that this missense variant is not expected to disrupt LZTR1 protein function with a negative predictive value of 80%. In summary, the available evidence is currently insufficient to determine the role of this variant in disease. Therefore, it has been classified as a Variant of Uncertain Significance.